The following is an entry in ClinVar:

NM_001042432.2(CLN3):c.295-3C>T

Gene: CLN3 (CLN3 lysosomal/endosomal transmembrane protein, battenin; minus strand). Cytogenetic location: 16p12.1.
Variant type: single nucleotide variant.
Coding change: c.295-3C>T on transcript NM_001042432.2 (MANE Select); 3 bases into the intron before coding-DNA position 295, C replaced by T.
Molecular consequence: intron variant.
Genome position (GRCh38, 1-based): chr16:28,487,744, G>A on the plus strand (C>T on the coding strand, the complement: CLN3 is on the minus strand). VCF-style: chr16-28487744-G-A. GRCh37 (hg19) VCF-style: chr16-28499065-G-A.
Other names: c.61-3C>T (NM_001286109.2); c.223-3C>T (NM_001286104.2); c.75-203C>T (NM_001286105.2); c.133-3C>T (NM_001286110.2); c.295-3C>T (NM_000086.2).
Identifiers: ClinVar variation 1419759 (VCV001419759.6), dbSNP rs767755377, ClinGen allele CA7980976.
Genomic context (GRCh38, chr16:28,487,744, plus strand): 5'-CAAGAGGAGCCAACAATTTGATGACGAGTGTGGGGAGGATGTCCGCCAGGAGCACAGCCT[G>A]GGACAGGAGAATAGAGTGAGACCGCAGAGCTTCCAGGGGACAACCCTCCCAACCACGTGG-3'

ClinVar aggregate classification (germline): Uncertain significance (1 of 4 stars; one submission).

Conditions:
Neuronal ceroid lipofuscinosis. Also called: Neuronal Ceroid Lipofuscinoses. Identifiers: Orphanet 216, Orphanet 79263, MedGen C0027877, MONDO:0016295. Disease mechanism: loss of function.

Allele frequency attached by ClinVar (database versions not stated): TOPMed below 0.00001; gnomAD exomes 0.00001 and 0.00003; ExAC 0.00002.

Submissions (2):

Labcorp Genetics (formerly Invitae), Labcorp
Classification: Uncertain significance for Neuronal ceroid lipofuscinosis. Last evaluated: 2022-07-22. Review status: criteria provided, single submitter. Criteria: Invitae Variant Classification Sherloc (09022015). Collection method: clinical testing. Allele origin: germline.
Comment: This sequence change falls in intron 5 of the CLN3 gene. It does not directly change the encoded amino acid sequence of the CLN3 protein. It affects a nucleotide within the consensus splice site. This variant is present in population databases (rs767755377, gnomAD 0.003%). This variant has not been reported in the literature in individuals affected with CLN3-related conditions. ClinVar contains an entry for this variant (Variation ID: 1419759). Variants that disrupt the consensus splice site are a relatively common cause of aberrant splicing (PMID: 17576681, 9536098). Algorithms developed to predict the effect of sequence changes on RNA splicing suggest that this variant is not likely to affect RNA splicing. In summary, the available evidence is currently insufficient to determine the role of this variant in disease. Therefore, it has been classified as a Variant of Uncertain Significance.

Dr. Peter K. Rogan Lab, Western University
No classification provided (evidence only). Condition: Gastric cancer. Review status: no classification provided. Collection method: in vitro. Allele origin: not applicable. Functional consequence: retained intron. Not counted in ClinVar's aggregate classification.

Literature cited by the submitters: PubMed 17576681 (cited by Labcorp Genetics (formerly Invitae), Labcorp); PubMed 9536098 (cited by Labcorp Genetics (formerly Invitae), Labcorp).